The following is an entry in ClinVar:

ClinVar aggregate classification (germline): Pathogenic. Review status: criteria provided, multiple submitters, no conflicts (2 of 4 stars). 2 submissions from 2 submitters: Pathogenic (2). Last evaluated 2026-09-08.

Conditions:
Fabry disease. Also called: ALPHA-GALACTOSIDASE A DEFICIENCY; ANDERSON-FABRY DISEASE; CERAMIDE TRIHEXOSIDASE DEFICIENCY; GLA DEFICIENCY; HEREDITARY DYSTOPIC LIPIDOSIS; Angiokeratoma corporis diffusum. Identifiers: Orphanet 324, MedGen C0002986, MONDO:0010526, OMIM 301500, HP:0001071. Disease mechanism: Fabry disease is due to inactivating mutations in the X-linked GLA gene resulting in deficiency of the enzyme Alpha Galactosidase-A., loss of function.

Submissions (2):

Genomenon, Inc
Classification: Pathogenic for Fabry disease. Last evaluated: 2026-09-08. Review status: criteria provided, single submitter. Criteria: Genomenon Sequence Variant Interpretation Standards - Updated. Collection method: curation. Allele origin: germline. Affected: yes.
Comment: GLA p.Trp287Ter (c.860G>A) is a nonsense variant that introduces a premature stop codon at amino acid position 287 and is predicted to result in a truncated or absent protein product. This variant has been observed in at least one proband affected with Fabry disease (PMID:18297328;32719972). The variant was found to segregate with disease in at least one affected family (PMID:18297328). At least one functional study has demonstrated a substantial alteration in protein function relative to the wild-type (PMID:23935525). It is absent or not present at a significant frequency in gnomAD. In conclusion, we classify GLA p.Trp287Ter (c.860G>A) as a pathogenic variant.

Labcorp Genetics (formerly Invitae), Labcorp
Classification: Pathogenic for Fabry disease. Last evaluated: 2025-09-27. Review status: criteria provided, single submitter. Criteria: Invitae Variant Classification Sherloc (09022015). Collection method: clinical testing. Allele origin: germline.
Comment: This sequence change creates a premature translational stop signal (p.Trp287*) in the GLA gene. It is expected to result in an absent or disrupted protein product. Loss-of-function variants in GLA are known to be pathogenic (PMID: 10666480, 12175777). This variant is not present in population databases (gnomAD no frequency). This premature translational stop signal has been observed in individual(s) with Fabry disease (PMID: 18297328, 23935525). For these reasons, this variant has been classified as Pathogenic.

Literature cited by the submitters: PubMed 18297328 (cited by Genomenon, Inc and Labcorp Genetics (formerly Invitae), Labcorp); PubMed 32719972 (cited by Genomenon, Inc); PubMed 23935525 (cited by Genomenon, Inc and Labcorp Genetics (formerly Invitae), Labcorp); PubMed 10666480 (cited by Labcorp Genetics (formerly Invitae), Labcorp); PubMed 12175777 (cited by Labcorp Genetics (formerly Invitae), Labcorp).

NM_000169.3(GLA):c.860G>A (p.Trp287Ter)

Genes: GLA (galactosidase alpha; minus strand), RPL36A-HNRNPH2 (RPL36A-HNRNPH2 readthrough; plus strand). Cytogenetic location: Xq22.1.
Variant type: single nucleotide variant.
Coding change: c.860G>A on transcript NM_000169.3 (MANE Select); coding-DNA position 860, G replaced by A.
Protein change: p.Trp287Ter; replaces tryptophan 287 with a stop codon.
Molecular consequence: nonsense. On other transcripts: non-coding transcript variant (3), intron variant (2).
Genome position (GRCh38, 1-based): chrX:101,398,509, C>T on the plus strand (G>A on the coding strand, the complement: GLA is on the minus strand). VCF-style: chrX-101398509-C-T. GRCh37 (hg19) VCF-style: chrX-100653497-C-T.
Other names: c.983G>A, p.Trp328Ter (NM_001406747.1); c.860G>A, p.Trp287Ter (NM_001406748.1); c.300+3052C>T (NM_001199973.2); c.177+6687C>T (NM_001199974.2); short protein forms W287*, W328*.
Identifiers: ClinVar variation 4087181 (VCV004087181.3).